The following is an entry in ClinVar:

ClinVar aggregate classification (germline): Uncertain significance. Review status: criteria provided, multiple submitters, no conflicts (2 of 4 stars). 2 submissions from 2 submitters: Uncertain significance (2). Last evaluated 2025-06-24.

Conditions:
Bethlem myopathy 1A. Also called: MYOPATHY, BENIGN CONGENITAL, WITH CONTRACTURES; Bethlem Muscular Dystrophy; Bethlem myopathy 1. Identifiers: Orphanet 610, MedGen CN029274, MONDO:0024530, OMIM 158810.
COL6A3-related disorder. Also called: COL6A3-related disorders; COL6A3-related condition.

Submissions (2):

Labcorp Genetics (formerly Invitae), Labcorp
Classification: Uncertain significance for Bethlem myopathy 1A. Last evaluated: 2025-06-24. Review status: criteria provided, single submitter. Criteria: Invitae Variant Classification Sherloc (09022015). Collection method: clinical testing. Allele origin: germline.
Comment: This sequence change replaces proline, which is neutral and non-polar, with serine, which is neutral and polar, at codon 809 of the COL6A3 protein (p.Pro809Ser). This variant is not present in population databases (gnomAD no frequency). This variant has not been reported in the literature in individuals affected with COL6A3-related conditions. ClinVar contains an entry for this variant (Variation ID: 2633863). Invitae Evidence Modeling of protein sequence and biophysical properties (such as structural, functional, and spatial information, amino acid conservation, physicochemical variation, residue mobility, and thermodynamic stability) indicates that this missense variant is not expected to disrupt COL6A3 protein function with a negative predictive value of 95%. In summary, the available evidence is currently insufficient to determine the role of this variant in disease. Therefore, it has been classified as a Variant of Uncertain Significance.

PreventionGenetics, part of Exact Sciences
Classification: Uncertain significance for COL6A3-related condition. Last evaluated: 2023-03-24. Review status: criteria provided, single submitter. Criteria: ACMG Guidelines, 2015. Collection method: clinical testing. Allele origin: germline.
Comment: The COL6A3 c.2425C>T variant is predicted to result in the amino acid substitution p.Pro809Ser. To our knowledge, this variant has not been reported in the literature or in a large population database, indicating this variant is rare. At this time, the clinical significance of this variant is uncertain due to the absence of conclusive functional and genetic evidence.

NM_004369.4(COL6A3):c.2425C>T (p.Pro809Ser)

Gene: COL6A3 (collagen type VI alpha 3 chain; minus strand). Cytogenetic location: 2q37.3.
Variant type: single nucleotide variant.
Coding change: c.2425C>T on transcript NM_004369.4 (MANE Select); coding-DNA position 2425, C replaced by T.
Protein change: p.Pro809Ser; replaces proline 809 with serine.
Molecular consequence: missense variant. On other transcripts: intron variant (1).
Genome position (GRCh38, 1-based): chr2:237,378,708, G>A on the plus strand (C>T on the coding strand, the complement: COL6A3 is on the minus strand). VCF-style: chr2-237378708-G-A. GRCh37 (hg19) VCF-style: chr2-238287351-G-A.
Other names: c.1204C>T, p.Pro402Ser (NM_057164.5); c.1807C>T, p.Pro603Ser (NM_057165.5, NM_057167.4); c.677-1364C>T (NM_057166.5); short protein forms P402S, P603S, P809S.
Identifiers: ClinVar variation 2633863 (VCV002633863.2), dbSNP rs2469919310, ClinGen allele CA351212541.
Genomic context (GRCh38, chr2:237,378,708, plus strand): 5'-GTGGTACTTCCTCCACACCTCCACTAACATATGTGGTTAGGGGCTGAATCAGCTGCTGAG[G>A]CAAAGCTGGCAGGGAGCTGAAATCATCCATGAGATACACCAGGCTTGGGTTAAAAGCAAT-3'
Protein context (NP_004360.2, residues 799-819): MDDFSSLPAL[Pro809Ser]QQLIQPLTTY